The following is an entry in ClinVar:

ClinVar aggregate classification (germline): Likely benign (0 of 4 stars; one submission).

Conditions:
RIN2-related disorder. Also called: RIN2-related condition.

Allele frequency attached by ClinVar (database versions not stated): gnomAD exomes below 0.00001.
gnomAD v4.1: 2 of 1,602,328 alleles (0.00012%); highest among the groups gnomAD compares: Middle Eastern, 0.017%; no homozygotes.

Submission:

PreventionGenetics, part of Exact Sciences
Classification: Likely benign for RIN2-related condition. Last evaluated: 2019-05-28. Review status: no assertion criteria provided. Collection method: clinical testing. Allele origin: germline.
Comment: This variant is classified as likely benign based on ACMG/AMP sequence variant interpretation guidelines (Richards et al. 2015 PMID: 25741868, with internal and published modifications).

NM_018993.4(RIN2):c.1896G>A (p.Arg632=)

Gene: RIN2 (Ras and Rab interactor 2; plus strand). Cytogenetic location: 20p11.23.
Variant type: single nucleotide variant.
Coding change: c.1896G>A on transcript NM_018993.4 (MANE Select); coding-DNA position 1896, G replaced by A.
Protein change: p.Arg632=; no amino-acid change (arginine 632 retained).
Molecular consequence: synonymous variant.
Genome position (GRCh38, 1-based): chr20:19,990,139, G>A. VCF-style: chr20-19990139-G-A. GRCh37 (hg19) VCF-style: chr20-19970783-G-A.
Other names: c.2043G>A, p.Arg681= (NM_001242581.2); c.1278G>A, p.Arg426= (NM_001378238.1).
Identifiers: ClinVar variation 3039394 (VCV003039394.2), dbSNP rs2515599936, ClinGen allele CA510157546.